The following is an entry in ClinVar:

ClinVar aggregate classification (germline): Uncertain significance. Review status: criteria provided, multiple submitters, no conflicts (2 of 4 stars). 2 submissions from 2 submitters: Uncertain significance (2). Last evaluated 2024-02-19.

Conditions:
Pontocerebellar hypoplasia type 2A (PCH2A). Also called: PONTOCEREBELLAR HYPOPLASIA WITH PROGRESSIVE CEREBRAL ATROPHY; VOLENDAM NEURODEGENERATIVE DISEASE. Identifiers: Orphanet 2524, MedGen C1848526, MONDO:0010190, OMIM 277470.
Pontocerebellar hypoplasia type 5 (PCH5). Also called: Pontocerebellar Hypoplasia Type 5 (PCH5). Identifiers: Orphanet 166068, MedGen C1857762, MONDO:0012438, OMIM 610204.
Pontocerebellar hypoplasia type 4 (PCH4). Also called: Pontocerebellar Hypoplasia Type 4 (PCH4). Identifiers: Orphanet 166063, MedGen C1856974, MONDO:0009166, OMIM 225753.

Allele frequency attached by ClinVar (database versions not stated): gnomAD 0.00001; gnomAD exomes 0.00001; 1000 Genomes Project 0.00020; 1000 Genomes Project 30x 0.00031.
gnomAD v4.1: 10 of 1,546,820 alleles (0.00065%); highest among the groups gnomAD compares: South Asian, 0.0036%; no homozygotes.

Submissions (2):

Labcorp Genetics (formerly Invitae), Labcorp
Classification: Uncertain significance. Last evaluated: 2024-02-19. Review status: criteria provided, single submitter. Criteria: Invitae Variant Classification Sherloc (09022015). Collection method: clinical testing. Allele origin: germline.
Comment: This sequence change replaces arginine, which is basic and polar, with tryptophan, which is neutral and slightly polar, at codon 396 of the TSEN54 protein (p.Arg396Trp). This variant is not present in population databases (gnomAD no frequency). This variant has not been reported in the literature in individuals affected with TSEN54-related conditions. ClinVar contains an entry for this variant (Variation ID: 1491165). Advanced modeling of protein sequence and biophysical properties (such as structural, functional, and spatial information, amino acid conservation, physicochemical variation, residue mobility, and thermodynamic stability) performed at Invitae indicates that this missense variant is not expected to disrupt TSEN54 protein function with a negative predictive value of 80%. In summary, the available evidence is currently insufficient to determine the role of this variant in disease. Therefore, it has been classified as a Variant of Uncertain Significance.

Fulgent Genetics
Classification: Uncertain significance for Pontocerebellar hypoplasia type 4; Pontocerebellar hypoplasia type 2A; Pontocerebellar hypoplasia type 5. Last evaluated: 2021-07-25. Review status: criteria provided, single submitter. Criteria: ACMG Guidelines, 2015. Collection method: clinical testing. Allele origin: unknown.

NM_207346.3(TSEN54):c.1186C>T (p.Arg396Trp)

Gene: TSEN54 (tRNA splicing endonuclease subunit 54; plus strand). Cytogenetic location: 17q25.1.
Variant type: single nucleotide variant.
Coding change: c.1186C>T on transcript NM_207346.3 (MANE Select); coding-DNA position 1186, C replaced by T.
Protein change: p.Arg396Trp; replaces arginine 396 with tryptophan.
Molecular consequence: missense variant.
Genome position (GRCh38, 1-based): chr17:75,522,267, C>T. VCF-style: chr17-75522267-C-T. GRCh37 (hg19) VCF-style: chr17-73518348-C-T.
Other names: short protein forms R396W.
Identifiers: ClinVar variation 1491165 (VCV001491165.8), dbSNP rs542013784, ClinGen allele CA294079721.